The following is an entry in ClinVar:

NM_199420.4(POLQ):c.4775A>T (p.Glu1592Val)

Gene: POLQ (DNA polymerase theta; minus strand). Cytogenetic location: 3q13.33.
Variant type: single nucleotide variant.
Coding change: c.4775A>T on transcript NM_199420.4 (MANE Select); coding-DNA position 4775, A replaced by T.
Protein change: p.Glu1592Val; replaces glutamic acid 1592 with valine.
Molecular consequence: missense variant.
Genome position (GRCh38, 1-based): chr3:121,488,156, T>A on the plus strand (A>T on the coding strand, the complement: POLQ is on the minus strand). VCF-style: chr3-121488156-T-A. GRCh37 (hg19) VCF-style: chr3-121207003-T-A.
Other names: short protein forms E1592V.
Identifiers: ClinVar variation 2625846 (VCV002625846.2), dbSNP rs2546785528, ClinGen allele CA354093876.

ClinVar aggregate classification (germline): Uncertain significance (1 of 4 stars; one submission).

Submission:

Ambry Genetics
Classification: Uncertain significance. Last evaluated: 2023-07-27. Review status: criteria provided, single submitter. Criteria: Ambry Variant Classification Scheme 2023. Collection method: clinical testing. Allele origin: germline.
Comment: The p.E1592V variant (also known as c.4775A>T), located in coding exon 16 of the POLQ gene, results from an A to T substitution at nucleotide position 4775. The glutamic acid at codon 1592 is replaced by valine, an amino acid with dissimilar properties. This amino acid position is conserved. In addition, this alteration is predicted to be tolerated by in silico analysis. Since supporting evidence is limited at this time, the clinical significance of this alteration remains unclear.